The following is an entry in ClinVar:

NM_001386795.1(DTNA):c.784C>T (p.His262Tyr)

Gene: DTNA (dystrobrevin alpha; plus strand). Cytogenetic location: 18q12.1.
Variant type: single nucleotide variant.
Coding change: c.784C>T on transcript NM_001386795.1 (MANE Select); coding-DNA position 784, C replaced by T.
Protein change: p.His262Tyr; replaces histidine 262 with tyrosine.
Molecular consequence: missense variant. On other transcripts: intron variant (1).
Genome position (GRCh38, 1-based): chr18:34,818,238, C>T. VCF-style: chr18-34818238-C-T. GRCh37 (hg19) VCF-style: chr18-32398202-C-T.
Other names: p.H262Y:CAC>TAC; c.784C>T, p.His262Tyr (NM_001128175.2, NM_001198938.2, NM_001198939.2 and 34 more transcripts); c.34C>T, p.His12Tyr (NM_001198943.1); c.603+6125C>T (NM_001198945.2); short protein forms H262Y, H12Y.
Identifiers: ClinVar variation 201766 (VCV000201766.12), dbSNP rs369043538, ClinGen allele CA335129.

ClinVar aggregate classification (germline): Uncertain significance. Review status: criteria provided, multiple submitters, no conflicts (2 of 4 stars). 4 submissions from 4 submitters: Uncertain significance (3). 1 of the submissions does not count toward it. Last evaluated 2025-09-27.

Conditions:
Left ventricular noncompaction 1 (LVNC1). Also called: LEFT VENTRICULAR NONCOMPACTION 1 WITH OR WITHOUT CONGENITAL HEART DEFECTS. Identifiers: Orphanet 54260, MedGen C1858725, MONDO:0011403, OMIM 604169.

Allele frequency attached by ClinVar (database versions not stated): gnomAD 0.00001; TOPMed 0.00001; ExAC 0.00003; ESP Exome Variant Server 0.00008.

Submissions (4):

Labcorp Genetics (formerly Invitae), Labcorp
Classification: Uncertain significance for Left ventricular noncompaction 1. Last evaluated: 2025-09-27. Review status: criteria provided, single submitter. Criteria: Invitae Variant Classification Sherloc (09022015). Collection method: clinical testing. Allele origin: germline.
Comment: This sequence change replaces histidine, which is basic and polar, with tyrosine, which is neutral and polar, at codon 262 of the DTNA protein (p.His262Tyr). This variant is present in population databases (rs369043538, gnomAD 0.01%). This missense change has been observed in individual(s) with dilated cardiomyopathy, hypertrophic cardiomyopathy, and/or left ventricular noncompaction (PMID: 32746448, 33500567, 36178741). ClinVar contains an entry for this variant (Variation ID: 201766). Invitae Evidence Modeling of protein sequence and biophysical properties (such as structural, functional, and spatial information, amino acid conservation, physicochemical variation, residue mobility, and thermodynamic stability) indicates that this missense variant is not expected to disrupt DTNA protein function with a negative predictive value of 80%. In summary, the available evidence is currently insufficient to determine the role of this variant in disease. Therefore, it has been classified as a Variant of Uncertain Significance.

GeneDx
Classification: Uncertain significance. Last evaluated: 2023-06-13. Review status: criteria provided, single submitter. Criteria: GeneDx Variant Classification Process June 2021. Collection method: clinical testing. Allele origin: germline. Affected: yes.
Comment: Reported in association with HCM in published literature; however, detailed clinical information was not provided (Burstein et al., 2021; Mazzarotto et al., 2021); In silico analysis, which includes protein predictors and evolutionary conservation, supports a deleterious effect; Variants in candidate genes are classified as variants of uncertain significance in accordance with ACMG guidelines (Richards et al., 2015); This variant is associated with the following publications: (PMID: 33500567, 32746448)

Genome Diagnostics Laboratory, University Medical Center Utrecht
Classification: Uncertain significance for Left ventricular noncompaction 1. Last evaluated: 2016-08-23. Review status: criteria provided, single submitter. Criteria: ACGS Guidelines, 2013. Collection method: clinical testing. Allele origin: germline. Affected: yes. Study: VKGL Data-share Consensus.

Diagnostic Laboratory, Department of Genetics, University Medical Center Groningen
Classification: Uncertain significance for Left ventricular noncompaction 1. Review status: no assertion criteria provided. Collection method: clinical testing. Allele origin: germline. Affected: yes. Study: VKGL Data-share Consensus. Not counted in ClinVar's aggregate classification.

Literature cited by the submitters: PubMed 32746448 (cited by Labcorp Genetics (formerly Invitae), Labcorp); PubMed 33500567 (cited by Labcorp Genetics (formerly Invitae), Labcorp); PubMed 36178741 (cited by Labcorp Genetics (formerly Invitae), Labcorp).